The following is an entry in ClinVar:

ClinVar aggregate classification (germline): Uncertain significance. Review status: criteria provided, multiple submitters, no conflicts (2 of 4 stars). 2 submissions from 2 submitters: Uncertain significance (2). Last evaluated 2022-05-25.

Allele frequency attached by ClinVar (database versions not stated): TOPMed below 0.00001; ExAC 0.00001.

Submissions (2):

Labcorp Genetics (formerly Invitae), Labcorp
Classification: Uncertain significance. Last evaluated: 2022-05-25. Review status: criteria provided, single submitter. Criteria: Invitae Variant Classification Sherloc (09022015). Collection method: clinical testing. Allele origin: germline.
Comment: In summary, the available evidence is currently insufficient to determine the role of this variant in disease. Therefore, it has been classified as a Variant of Uncertain Significance. Algorithms developed to predict the effect of missense changes on protein structure and function are either unavailable or do not agree on the potential impact of this missense change (SIFT: "Deleterious"; PolyPhen-2: "Possibly Damaging"; Align-GVGD: "Class C0"). This variant has not been reported in the literature in individuals affected with CAPN5-related conditions. This variant is present in population databases (rs782034352, gnomAD 0.002%). This sequence change replaces serine, which is neutral and polar, with asparagine, which is neutral and polar, at codon 634 of the CAPN5 protein (p.Ser634Asn).

Blueprint Genetics
Classification: Uncertain significance. Last evaluated: 2018-05-20. Review status: criteria provided, single submitter. Criteria: ACMG Guidelines, 2015. Collection method: clinical testing. Allele origin: germline.

NM_004055.5(CAPN5):c.1901G>A (p.Ser634Asn)

Gene: CAPN5 (calpain 5; plus strand). Cytogenetic location: 11q13.5.
Variant type: single nucleotide variant.
Coding change: c.1901G>A on transcript NM_004055.5 (MANE Select); coding-DNA position 1901, G replaced by A.
Protein change: p.Ser634Asn; replaces serine 634 with asparagine.
Molecular consequence: missense variant.
Genome position (GRCh38, 1-based): chr11:77,123,848, G>A. VCF-style: chr11-77123848-G-A. GRCh37 (hg19) VCF-style: chr11-76834894-G-A.
Other names: short protein forms S634N.
Identifiers: ClinVar variation 1386398 (VCV001386398.7), dbSNP rs782034352, ClinGen allele CA6196949.